The following is an entry in ClinVar:

NM_006379.5(SEMA3C):c.1989T>C (p.Asp663=)

Gene: SEMA3C (semaphorin 3C; minus strand). Cytogenetic location: 7q21.11.
Variant type: single nucleotide variant.
Coding change: c.1989T>C on transcript NM_006379.5 (MANE Select); coding-DNA position 1989, T replaced by C.
Protein change: p.Asp663=; no amino-acid change (aspartic acid 663 retained).
Molecular consequence: synonymous variant.
Genome position (GRCh38, 1-based): chr7:80,745,161, A>G on the plus strand (T>C on the coding strand, the complement: SEMA3C is on the minus strand). VCF-style: chr7-80745161-A-G. GRCh37 (hg19) VCF-style: chr7-80374477-A-G.
Other names: c.2043T>C, p.Asp681= (NM_001350120.2); c.1815T>C, p.Asp605= (NM_001350121.2).
Identifiers: ClinVar variation 3357789 (VCV003357789.1).
Genomic context (GRCh38, chr7:80,745,161, plus strand): 5'-CACAGAGCTGGCCCAGGTCCATGGGGACCATTTGTCCGTCACAACAGCCACCATTTCTGA[A>G]TCTAAAACTTTGAAGTTGATCTTGGCTATGGTCTGCTTGAAACTATTTTCTGTAGCAATG-3'
Protein context (NP_006370.1, residues 653-673): TIAKINFKVL[Asp663=]SEMVAVVTDK

ClinVar aggregate classification (germline): Likely benign (0 of 4 stars; one submission).

Conditions:
SEMA3C-related disorder. Also called: SEMA3C-related condition.

gnomAD v4.1: 35 of 1,613,888 alleles (0.0022%); highest among the groups gnomAD compares: Non-Finnish European, 0.003%; no homozygotes.

Submission:

PreventionGenetics, part of Exact Sciences
Classification: Likely benign for SEMA3C-related condition. Last evaluated: 2024-07-29. Review status: no assertion criteria provided. Collection method: clinical testing. Allele origin: germline.
Comment: This variant is classified as likely benign based on ACMG/AMP sequence variant interpretation guidelines (Richards et al. 2015 PMID: 25741868, with internal and published modifications).